The following is an entry in ClinVar:

ClinVar aggregate classification (germline): Uncertain significance (1 of 4 stars; one submission).

Conditions:
MPI-congenital disorder of glycosylation. Also called: PROTEIN-LOSING ENTEROPATHY-HEPATIC FIBROSIS SYNDROME; MPI DEFICIENCY; MANNOSEPHOSPHATE ISOMERASE DEFICIENCY; MPI-CDG; CONGENITAL DISORDER OF GLYCOSYLATION, TYPE Ib; CDG Ib. Identifiers: Orphanet 79319, MedGen C1865145, MONDO:0011257, OMIM 602579.

Allele frequency attached by ClinVar (database versions not stated): gnomAD 0.00001; gnomAD exomes 0.00001; TOPMed 0.00003.
gnomAD v4.1: 5 of 1,614,000 alleles (0.00031%); highest among the groups gnomAD compares: Admixed American, 0.005%; no homozygotes.

Submission:

Labcorp Genetics (formerly Invitae), Labcorp
Classification: Uncertain significance for MPI-congenital disorder of glycosylation. Last evaluated: 2026-01-19. Review status: criteria provided, single submitter. Criteria: Invitae Variant Classification Sherloc (09022015). Collection method: clinical testing. Allele origin: germline.
Comment: This sequence change replaces serine, which is neutral and polar, with cysteine, which is neutral and slightly polar, at codon 403 of the MPI protein (p.Ser403Cys). This variant is present in population databases (no rsID available, gnomAD 0.009%). This variant has not been reported in the literature in individuals affected with MPI-related conditions. ClinVar contains an entry for this variant (Variation ID: 2189455). Invitae Evidence Modeling of protein sequence and biophysical properties (such as structural, functional, and spatial information, amino acid conservation, physicochemical variation, residue mobility, and thermodynamic stability) indicates that this missense variant is not expected to disrupt MPI protein function with a negative predictive value of 80%. In summary, the available evidence is currently insufficient to determine the role of this variant in disease. Therefore, it has been classified as a Variant of Uncertain Significance.

NM_002435.3(MPI):c.1207A>T (p.Ser403Cys)

Gene: MPI (mannose phosphate isomerase; plus strand). Cytogenetic location: 15q24.1.
Variant type: single nucleotide variant.
Coding change: c.1207A>T on transcript NM_002435.3 (MANE Select); coding-DNA position 1207, A replaced by T.
Protein change: p.Ser403Cys; replaces serine 403 with cysteine.
Molecular consequence: missense variant. On other transcripts: 3 prime UTR variant (1).
Genome position (GRCh38, 1-based): chr15:74,897,665, A>T. VCF-style: chr15-74897665-A-T. GRCh37 (hg19) VCF-style: chr15-75190006-A-T.
Other names: c.*134A>T (NM_001289155.2); c.1057A>T, p.Ser353Cys (NM_001289156.2); c.1024A>T, p.Ser342Cys (NM_001289157.2); c.1147A>T, p.Ser383Cys (NM_001330372.2); short protein forms S383C, S353C, S403C, S342C.
Identifiers: ClinVar variation 2189455 (VCV002189455.2), dbSNP rs916251037, ClinGen allele CA272826657.